The following is an entry in ClinVar:

NM_024598.4(USB1):c.267T>G (p.Tyr89Ter)

Gene: USB1 (U6 snRNA biogenesis phosphodiesterase 1; plus strand). Cytogenetic location: 16q21.
Variant type: single nucleotide variant.
Coding change: c.267T>G on transcript NM_024598.4 (MANE Select); coding-DNA position 267, T replaced by G.
Protein change: p.Tyr89Ter; replaces tyrosine 89 with a stop codon.
Molecular consequence: nonsense.
Genome position (GRCh38, 1-based): chr16:58,009,930, T>G. VCF-style: chr16-58009930-T-G. GRCh37 (hg19) VCF-style: chr16-58043834-T-G.
Other names: c.267T>G, p.Tyr89Ter (NM_001195302.2, NM_001204911.2, NM_001330569.2); c.114T>G, p.Tyr38Ter (NM_001330568.2); short protein forms Y38*, Y89*.
Identifiers: ClinVar variation 1941491 (VCV001941491.5), dbSNP rs771096742, ClinGen allele CA396128947.

ClinVar aggregate classification (germline): Pathogenic (1 of 4 stars; one submission).

gnomAD v4.1: 1 of 1,613,830 alleles (0.000062%); highest among the groups gnomAD compares: African/African-American, 0.0013%; no homozygotes.

Submission:

Labcorp Genetics (formerly Invitae), Labcorp
Classification: Pathogenic. Last evaluated: 2022-06-30. Review status: criteria provided, single submitter. Criteria: Invitae Variant Classification Sherloc (09022015). Collection method: clinical testing. Allele origin: germline.
Comment: For these reasons, this variant has been classified as Pathogenic. Algorithms developed to predict the effect of sequence changes on RNA splicing suggest that this variant may disrupt the consensus splice site. This premature translational stop signal has been observed in individual(s) with USB1-related conditions (PMID: 21872685). This variant is not present in population databases (gnomAD no frequency). This sequence change creates a premature translational stop signal (p.Tyr89*) in the USB1 gene. It is expected to result in an absent or disrupted protein product. Loss-of-function variants in USB1 are known to be pathogenic (PMID: 20817924, 25044170).

Literature cited by the submitters: PubMed 21872685; PubMed 20817924; PubMed 25044170.